The following is an entry in ClinVar:

NM_000426.4(LAMA2):c.1562C>T (p.Ser521Leu)

Gene: LAMA2 (laminin subunit alpha 2; plus strand). Cytogenetic location: 6q22.33.
Variant type: single nucleotide variant.
Coding change: c.1562C>T on transcript NM_000426.4 (MANE Select); coding-DNA position 1562, C replaced by T.
Protein change: p.Ser521Leu; replaces serine 521 with leucine.
Molecular consequence: missense variant.
Genome position (GRCh38, 1-based): chr6:129,190,299, C>T. VCF-style: chr6-129190299-C-T. GRCh37 (hg19) VCF-style: chr6-129511444-C-T.
Other names: c.1562C>T, p.Ser521Leu (NM_001079823.2); short protein forms S521L.
Identifiers: ClinVar variation 477443 (VCV000477443.11), dbSNP rs369760070, ClinGen allele CA3992651.

ClinVar aggregate classification (germline): Uncertain significance. Review status: criteria provided, multiple submitters, no conflicts (2 of 4 stars). 3 submissions from 3 submitters: Uncertain significance (3). Last evaluated 2024-11-11.

Conditions:
LAMA2-related muscular dystrophy (LAMA2-RD). Also called: Laminin alpha 2-related dystrophy. Identifiers: MedGen C5679788, MONDO:0100228.
Congenital muscular dystrophy due to partial LAMA2 deficiency. Identifiers: MedGen C1842898.

Allele frequency attached by ClinVar (database versions not stated): TOPMed 0.00003; ExAC 0.00004; gnomAD exomes 0.00004; gnomAD 0.00005; ESP Exome Variant Server 0.00015.
gnomAD v4.1: 70 of 1,613,468 alleles (0.0043%); highest among the groups gnomAD compares: Middle Eastern, 0.016%; no homozygotes.

Submissions (3):

Labcorp Genetics (formerly Invitae), Labcorp
Classification: Uncertain significance for LAMA2-related muscular dystrophy. Last evaluated: 2024-11-11. Review status: criteria provided, single submitter. Criteria: Invitae Variant Classification Sherloc (09022015). Collection method: clinical testing. Allele origin: germline.
Comment: This sequence change replaces serine, which is neutral and polar, with leucine, which is neutral and non-polar, at codon 521 of the LAMA2 protein (p.Ser521Leu). This variant is present in population databases (rs369760070, gnomAD 0.009%). This variant has not been reported in the literature in individuals affected with LAMA2-related conditions. ClinVar contains an entry for this variant (Variation ID: 477443). Invitae Evidence Modeling of protein sequence and biophysical properties (such as structural, functional, and spatial information, amino acid conservation, physicochemical variation, residue mobility, and thermodynamic stability) indicates that this missense variant is not expected to disrupt LAMA2 protein function with a negative predictive value of 95%. In summary, the available evidence is currently insufficient to determine the role of this variant in disease. Therefore, it has been classified as a Variant of Uncertain Significance.

GeneDx
Classification: Uncertain significance. Last evaluated: 2024-05-23. Review status: criteria provided, single submitter. Criteria: GeneDx Variant Classification Process June 2021. Collection method: clinical testing. Allele origin: germline. Affected: yes.
Comment: Not observed at significant frequency in large population cohorts (gnomAD); In silico analysis supports that this missense variant does not alter protein structure/function; Has not been previously published as pathogenic or benign to our knowledge

Illumina Laboratory Services, Illumina
Classification: Uncertain significance for Congenital muscular dystrophy due to partial LAMA2 deficiency. Last evaluated: 2018-01-12. Review status: criteria provided, single submitter. Criteria: ICSL Variant Classification Criteria 13 December 2019. Collection method: clinical testing. Allele origin: germline.